The following is an entry in ClinVar:

NM_145725.3(TRAF3):c.1616C>G (p.Ala539Gly)

Gene: TRAF3 (TNF receptor associated factor 3; plus strand). Cytogenetic location: 14q32.32.
Variant type: single nucleotide variant.
Coding change: c.1616C>G on transcript NM_145725.3 (MANE Select); coding-DNA position 1616, C replaced by G.
Protein change: p.Ala539Gly; replaces alanine 539 with glycine.
Molecular consequence: missense variant.
Genome position (GRCh38, 1-based): chr14:102,905,693, C>G. VCF-style: chr14-102905693-C-G. GRCh37 (hg19) VCF-style: chr14-103372030-C-G.
Other names: c.1367C>G, p.Ala456Gly (NM_001199427.2); c.1475C>G, p.Ala492Gly (NM_001385142.1); c.1535C>G, p.Ala512Gly (NM_001385143.1); c.1616C>G, p.Ala539Gly (NM_003300.4); c.1541C>G, p.Ala514Gly (NM_145726.3); short protein forms A456G, A514G, A539G, A492G, A512G.
Identifiers: ClinVar variation 941743 (VCV000941743.10), dbSNP rs1890552096, ClinGen allele CA391077262.

ClinVar aggregate classification (germline): Uncertain significance (1 of 4 stars; one submission).

Conditions:
Immunodeficiency 132A. Also called: Herpes simplex encephalitis, susceptibility to, 3. Identifiers: Orphanet 1930, MedGen C3553868, MONDO:0013920, OMIM 614849.

Submission:

Labcorp Genetics (formerly Invitae), Labcorp
Classification: Uncertain significance for Immunodeficiency 132A. Last evaluated: 2019-06-04. Review status: criteria provided, single submitter. Criteria: Invitae Variant Classification Sherloc (09022015). Collection method: clinical testing. Allele origin: germline.
Comment: In summary, the available evidence is currently insufficient to determine the role of this variant in disease. Therefore, it has been classified as a Variant of Uncertain Significance. Algorithms developed to predict the effect of missense changes on protein structure and function are either unavailable or do not agree on the potential impact of this missense change (SIFT: "Tolerated"; PolyPhen-2: "Possibly Damaging"; Align-GVGD: "Class C0"). This variant has not been reported in the literature in individuals with TRAF3-related conditions. This variant is not present in population databases (ExAC no frequency). This sequence change replaces alanine with glycine at codon 539 of the TRAF3 protein (p.Ala539Gly). The alanine residue is highly conserved and there is a small physicochemical difference between alanine and glycine.